The following is an entry in ClinVar:

NM_005422.4(TECTA):c.3742C>T (p.Pro1248Ser)

Genes: TBCEL-TECTA (TBCEL-TECTA readthrough; plus strand), TECTA (tectorin alpha; plus strand). Cytogenetic location: 11q23.3.
Variant type: single nucleotide variant.
Coding change: c.3742C>T on transcript NM_005422.4 (MANE Select); coding-DNA position 3742, C replaced by T.
Protein change: p.Pro1248Ser; replaces proline 1248 with serine.
Molecular consequence: missense variant.
Genome position (GRCh38, 1-based): chr11:121,145,753, C>T. VCF-style: chr11-121145753-C-T. GRCh37 (hg19) VCF-style: chr11-121016462-C-T.
Other names: c.4699C>T, p.Pro1567Ser (NM_001378761.1); short protein forms P1248S, P1567S.
Identifiers: ClinVar variation 1199744 (VCV001199744.13), dbSNP rs202223574, ClinGen allele CA6327284.

ClinVar aggregate classification (germline): Conflicting classifications of pathogenicity. Review status: criteria provided, conflicting classifications (1 of 4 stars). 3 submissions from 3 submitters: Uncertain significance (1); Likely benign (2). Last evaluated 2026-09-21.

Conditions:
TECTA-related disorder. Also called: TECTA-related condition.

Allele frequency attached by ClinVar (database versions not stated): gnomAD 0.00004; gnomAD exomes 0.00005 and 0.00023; TOPMed 0.00012; ExAC 0.00018; 1000 Genomes Project 0.00020; 1000 Genomes Project 30x 0.00031.
gnomAD v4.1: 76 of 1,614,180 alleles (0.0047%); highest among the groups gnomAD compares: Admixed American, 0.12%; no homozygotes.

Submissions (3):

PreventionGenetics, part of Exact Sciences
Classification: Likely benign for TECTA-related condition. Last evaluated: 2026-09-21. Review status: criteria provided, single submitter. Criteria: ACMG Guidelines, 2015. Collection method: clinical testing. Allele origin: germline.
Comment: This variant is classified as likely benign based on ACMG/AMP sequence variant interpretation guidelines (Richards et al. 2015 PMID: 25741868, with internal and published modifications).

Labcorp Genetics (formerly Invitae), Labcorp
Classification: Likely benign. Last evaluated: 2026-01-21. Review status: criteria provided, single submitter. Criteria: Invitae Variant Classification Sherloc (09022015). Collection method: clinical testing. Allele origin: germline.

GeneDx
Classification: Uncertain significance. Last evaluated: 2025-08-18. Review status: criteria provided, single submitter. Criteria: GeneDx Variant Classification Process June 2021. Collection method: clinical testing. Allele origin: germline. Affected: yes.
Comment: In silico analysis supports that this missense variant has a deleterious effect on protein structure/function; Has not been previously published as pathogenic or benign to our knowledge; This variant is associated with the following publications: (PMID: 31554319, 9590290, 21520338)